The following is an entry in ClinVar:

NM_000051.4(ATM):c.6796A>C (p.Lys2266Gln)

Genes: ATM (ATM serine/threonine kinase; plus strand), C11orf65 (chromosome 11 open reading frame 65; minus strand). Cytogenetic location: 11q22.3.
Variant type: single nucleotide variant.
Coding change: c.6796A>C on transcript NM_000051.4 (MANE Select); coding-DNA position 6796, A replaced by C.
Protein change: p.Lys2266Gln; replaces lysine 2266 with glutamine.
Molecular consequence: missense variant. On other transcripts: intron variant (2).
Genome position (GRCh38, 1-based): chr11:108,325,533, A>C. VCF-style: chr11-108325533-A-C. GRCh37 (hg19) VCF-style: chr11-108196260-A-C.
Other names: c.6796A>C, p.Lys2266Gln (NM_001351834.2); c.641-16462T>G (NM_001330368.2); c.*38+9687T>G (NM_001351110.2); short protein forms K2266Q.
Identifiers: ClinVar variation 826622 (VCV000826622.6), dbSNP rs45481995, ClinGen allele CA228412178.

ClinVar aggregate classification (germline): Uncertain significance (1 of 4 stars; one submission).

Conditions:
Hereditary cancer-predisposing syndrome. Also called: Tumor predisposition; Neoplastic Syndromes, Hereditary; Hereditary Cancer Syndrome; Hereditary neoplastic syndrome. Identifiers: Orphanet 140162, MedGen C0027672, MeSH D009386, MONDO:0015356.

Submission:

Ambry Genetics
Classification: Uncertain significance for Hereditary cancer-predisposing syndrome. Last evaluated: 2019-02-20. Review status: criteria provided, single submitter. Criteria: Ambry Variant Classification Scheme 2023. Collection method: clinical testing. Allele origin: germline.
Comment: The p.K2266Q variant (also known as c.6796A>C), located in coding exon 45 of the ATM gene, results from an A to C substitution at nucleotide position 6796. The lysine at codon 2266 is replaced by glutamine, an amino acid with similar properties. This amino acid position is not well conserved in available vertebrate species. In addition, this alteration is predicted to be tolerated by in silico analysis. Since supporting evidence is limited at this time, the clinical significance of this alteration remains unclear.